The following is an entry in ClinVar:

ClinVar aggregate classification (germline): Pathogenic (1 of 4 stars; one submission).

Conditions:
H syndrome. Also called: HISTIOCYTOSIS AND LYMPHADENOPATHY WITH OR WITHOUT CUTANEOUS, CARDIAC, AND/OR ENDOCRINE FEATURES, JOINT CONTRACTURES, AND/OR DEAFNESS; HYPERPIGMENTATION, CUTANEOUS, WITH HYPERTRICHOSIS, HEPATOSPLENOMEGALY, HEART ANOMALIES, AND HYPOGONADISM WITH OR WITHOUT HEARING LOSS; PIGMENTED HYPERTRICHOSIS WITH INSULIN-DEPENDENT DIABETES MELLITUS; ROSAI-DORFMAN DISEASE, FAMILIAL; SINUS HISTIOCYTOSIS AND MASSIVE LYMPHADENOPATHY; Hyperpigmentation, Cutaneous, with Hypertrichosis, Hepatosplenomegaly, Heart Anomalies, Hearing Loss, and Hypogonadism. Identifiers: Orphanet 168569, MedGen C1864445, MONDO:0011273, OMIM 602782.

Submission:

Labcorp Genetics (formerly Invitae), Labcorp
Classification: Pathogenic for H syndrome. Last evaluated: 2024-10-17. Review status: criteria provided, single submitter. Criteria: Invitae Variant Classification Sherloc (09022015). Collection method: clinical testing. Allele origin: germline.
Comment: This sequence change creates a premature translational stop signal (p.Thr90Argfs*9) in the SLC29A3 gene. It is expected to result in an absent or disrupted protein product. Loss-of-function variants in SLC29A3 are known to be pathogenic (PMID: 19336477, 20595384, 23406517, 25963354). This variant is not present in population databases (gnomAD no frequency). This variant has not been reported in the literature in individuals affected with SLC29A3-related conditions. ClinVar contains an entry for this variant (Variation ID: 1069036). For these reasons, this variant has been classified as Pathogenic.

Literature cited by the submitters: PubMed 19336477; PubMed 20595384; PubMed 23406517; PubMed 25963354.

NM_018344.6(SLC29A3):c.269_275del (p.Thr90fs)

Gene: SLC29A3 (solute carrier family 29 member 3; plus strand). Cytogenetic location: 10q22.1.
Variant type: Deletion.
Coding change: c.269_275del on transcript NM_018344.6 (MANE Select); coding-DNA positions 269 to 275, 7 bases deleted (CCGGGGA; older notation c.269_275delCCGGGGA).
Protein change: p.Thr90fs; shifts the reading frame from threonine 90.
Molecular consequence: frameshift variant. On other transcripts: non-coding transcript variant (2).
Genome position (GRCh38, 1-based): chr10:71,323,023-71,323,029, CCGGGGA deleted; deleting any 7 consecutive bases within chr10:71,323,022-71,323,029 gives the same sequence; the c. name uses the placement nearest the transcript's 3' end. VCF-style (leftmost placement, unchanged base first): chr10-71323021-CACCGGGG-C. GRCh37 (hg19) VCF-style: chr10-73082778-CACCGGGG-C.
Other names: c.269_275del, p.Thr90fs (NM_001174098.2); c.35_41del, p.Thr12fs (NM_001363518.2); short protein forms T12fs, T90fs.
Identifiers: ClinVar variation 1069036 (VCV001069036.7), dbSNP rs1223982382, ClinGen allele CA668063207.
Genomic context (GRCh38, chr10:71,323,021, plus strand): 5'-CTTCTTTATCACTGCCAAGGAGTACTGGATGTTCAAACTCCGCAACTCCTCCAGCCCAGC[CACCGGGG>C]AGGACCCTGAGGGCTCAGACATCCTGGTAAGGGCATGTTTCTCCTGCAAGGCTGGTGGGA-3'